The following is an entry in ClinVar:

ClinVar aggregate classification (germline): Pathogenic. Review status: criteria provided, multiple submitters, no conflicts (2 of 4 stars). 18 submissions from 17 submitters: Pathogenic (18). Last evaluated 2026-06-24.

Conditions:
Rare genetic deafness. Identifiers: Orphanet 96210, MedGen C5680250.
USH2A-related disorder. Also called: USH2A-related disorders; USH2A-related condition. Identifiers: MedGen CN239332.
Usher syndrome type 2A. Also called: RETINAL DISEASE IN USHER SYNDROME TYPE IIA, MODIFIER OF; USHER SYNDROME, TYPE IIA. Identifiers: Orphanet 231178, Orphanet 886, MedGen C1848634, MONDO:0010169, OMIM 276901.
Retinitis pigmentosa 39 (RP39). Identifiers: Orphanet 791, MedGen C3151138, MONDO:0013436, OMIM 613809.
Nonsyndromic genetic hearing loss. Also called: Nonsyndromic hearing loss and deafness; Non-syndromic genetic deafness; Nonsyndromic genetic deafness. Identifiers: Orphanet 87884, MedGen C5680182, MONDO:0019497.

Allele frequency attached by ClinVar (database versions not stated): gnomAD 0.00001; TOPMed 0.00003; ExAC 0.00002; gnomAD exomes 0.00002.
gnomAD v4.1: 34 of 1,613,732 alleles (0.0021%); highest among the groups gnomAD compares: Admixed American, 0.0083%; no homozygotes.

Submissions 1 to 11 of 18:

PreventionGenetics, part of Exact Sciences
Classification: Pathogenic for USH2A-related condition. Last evaluated: 2026-06-24. Review status: criteria provided, single submitter. Criteria: ACMG Guidelines, 2015. Collection method: clinical testing. Allele origin: germline.
Comment: The USH2A c.1841-2A>G variant is predicted to disrupt the AG splice acceptor site and interfere with normal splicing. This variant has been reported many times in individuals with Usher syndrome and/or retinal disease (see for examples: Garcia-Garcia et al. 2011. PubMed ID: 22004887; Table S1, Stone et al. 2017. PubMed ID: 28559085; Table S1, Lin et al. 2024. PubMed ID: 38219857). This variant is reported in 0.0035% of alleles in individuals of European (Non-Finnish) descent in gnomAD. Variants that disrupt the consensus splice acceptor site in USH2A are expected to be pathogenic. This variant is interpreted as pathogenic.

Institute of Human Genetics, University of Leipzig Medical Center
Classification: Pathogenic for Usher syndrome type 2A. Last evaluated: 2026-03-30. Review status: criteria provided, single submitter. Criteria: ACMG Guidelines, 2015. Collection method: clinical testing. Allele origin: unknown. Inheritance: Autosomal recessive inheritance. Affected: yes.
Comment: Criteria applied: PM2_SUP,PP4,PM3_VSTR,PVS1

Labcorp Genetics (formerly Invitae), Labcorp
Classification: Pathogenic. Last evaluated: 2026-01-28. Review status: criteria provided, single submitter. Criteria: Invitae Variant Classification Sherloc (09022015). Collection method: clinical testing. Allele origin: germline.
Comment: This sequence change affects an acceptor splice site in intron 10 of the USH2A gene. It is expected to disrupt RNA splicing. Variants that disrupt the donor or acceptor splice site typically lead to a loss of protein function (PMID: 16199547), and loss-of-function variants in USH2A are known to be pathogenic (PMID: 10729113, 10909849, 20507924, 25649381). This variant is present in population databases (rs397518003, gnomAD 0.004%). Disruption of this splice site has been observed in individuals with USH2A-related conditions (PMID: 12525556, 27460420, 29986705). It has also been observed to segregate with disease in related individuals. This variant is also known as IVS10-2A>G. ClinVar contains an entry for this variant (Variation ID: 48476). Studies have shown that disruption of this splice site alters mRNA splicing and is expected to lead to the loss of protein expression (PMID: 20497194). For these reasons, this variant has been classified as Pathogenic.

Natera, Inc.
Classification: Pathogenic for Usher syndrome type 2A. Last evaluated: 2025-09-15. Review status: criteria provided, single submitter. Criteria: Natera Variant Classification Schema (03/2026). Collection method: clinical testing. Allele origin: germline.
Comment: The c.1841-2A>G variant in USH2A is a canonical splice acceptor site variant predicted to affect pre-mRNA splicing, which may result in an abnormal transcript and altered protein product. This variant is expected to result in nonsense mediated decay, truncation, or a dysfunctional protein product. This variant is rare in the general population with a frequency below the threshold expected for the associated phenotype(s). This variant has been observed in one or more individuals affected with the associated recessive disease, as either homozygous or compound heterozygous with a second variant (PMID: 22135276, 34997062). Given the available evidence, this variant is classified as Pathogenic.

GeneDx
Classification: Pathogenic. Last evaluated: 2025-08-14. Review status: criteria provided, single submitter. Criteria: GeneDx Variant Classification Process June 2021. Collection method: clinical testing. Allele origin: germline. Affected: yes.
Comment: Observed with a second USH2A variant on the opposite allele (in trans) or phase unknown in many patients with Usher syndrome or hearing loss in the published literature (PMID: 12525556, 24875298, 18641288, 21738395, 27596865, 27460420, 29986705); Canonical splice site variant predicted to result in a null allele in a gene for which loss of function is a known mechanism of disease; Not observed at significant frequency in large population cohorts (gnomAD); This variant is associated with the following publications: (PMID: 28559085, 32531858, 34997062, 20497194, 22004887, 25525159, 22135276, 21487335, 21569298, 24944099, 31231422, 19683999, 18641288, 15823922, 27596865, 29986705, 21738395, 24875298, 31736247, 32036094, 32037395, 31589614, 33576794, 31964843, 36460718, 36785559, 37217489, 34906470, 33535592, 34948090, 34781295, 37287646, 38219857, 38927702, 38602021, 12525556, 27460420)

Victorian Clinical Genetics Services, Murdoch Childrens Research Institute
Classification: Pathogenic for Usher syndrome type 2A. Last evaluated: 2024-09-22. Review status: criteria provided, single submitter. Criteria: ACMG Guidelines, 2015. Collection method: clinical testing. Allele origin: germline. Inheritance: Autosomal recessive inheritance. Affected: yes.
Comment: Based on the classification scheme VCGS_Germline_v1.3.4, this variant is classified as Pathogenic. Following criteria are met: 0102 - Loss of function is a known mechanism of disease in this gene and is associated with retinitis pigmentosa 39 (MIM#613809), and Usher syndrome, type 2A (MIM#276901). (I) 0106 - This gene is associated with autosomal recessive disease. (I) 0210 - Splice site variant proven to affect splicing of the transcript with a known effect on protein sequence. This variant has been proven to cause skipping of exon 11 leading to a frameshift and a premature termination codon. The predicted outcome is nonsense-mediated decay (NMD) (PMID: 20497194). (SP) 0251 - This variant is heterozygous. (I) 0304 - Variant is present in gnomAD (v2) <0.01 for a recessive condition (4 heterozygotes, 0 homozygotes). (SP) 0701 - Other NMD-predicted variants comparable to the one identified in this case have very strong previous evidence for pathogenicity (DECIPHER). (SP) 0801 - This variant has strong previous evidence of pathogenicity in unrelated individuals. This variant has been reported many times as pathogenic, and observed in mostly homozygous or compound heterozygous individuals with Usher syndrome, and less commonly compound heterozygous individuals with retinitis pigmentosa (ClinVar, PMID: 12525556, 20497194, 22004887, 24875298). (SP) 1201 - Heterozygous variant detected in trans with a second likely pathogenic heterozygous variant (c.5298+5G>A) in a recessive disease. (I) Legend: (SP) - Supporting pathogenic, (I) - Information, (SB) - Supporting benign

Baylor Genetics
Classification: Pathogenic for Retinitis pigmentosa 39. Last evaluated: 2024-03-21. Review status: criteria provided, single submitter. Criteria: ACMG Guidelines, 2015. Collection method: clinical testing. Allele origin: unknown.

Genome-Nilou Lab
Classification: Pathogenic for Retinitis pigmentosa 39. Last evaluated: 2023-04-11. Review status: criteria provided, single submitter. Criteria: ACMG Guidelines, 2015. Collection method: clinical testing. Allele origin: germline. Affected: no.

Genome-Nilou Lab
Classification: Pathogenic for Usher syndrome type 2A. Last evaluated: 2023-04-11. Review status: criteria provided, single submitter. Criteria: ACMG Guidelines, 2015. Collection method: clinical testing. Allele origin: germline. Affected: no.

Blueprint Genetics
Classification: Pathogenic for USH2A-related disorders. Last evaluated: 2022-06-22. Review status: criteria provided, single submitter. Criteria: ACMG Guidelines, 2015. Collection method: clinical testing. Allele origin: germline. Affected: yes. Observed: 5 variant alleles.

Myriad Genetics, Inc.
Classification: Pathogenic for Usher syndrome type 2A. Last evaluated: 2021-11-10. Review status: criteria provided, single submitter. Criteria: Myriad Women's Health Autosomal Recessive and X-Linked Classification Criteria (2021). Collection method: clinical testing. Allele origin: unknown.
Comment: NM_206933.2(USH2A):c.1841-2A>G is a canonical splice variant classified as pathogenic in the context of USH2A-related disorders. c.1841-2A>G has been observed in cases with relevant disease (PMID: 12525556, 19683999, 31231422, 22004887, 32036094, 32531858, 28157192, 22135276, 24944099, 28559085, 27596865, 25575603). Functional assessments of this variant are available in the literature (PMID: 20497194). c.1841-2A>G has been observed in population frequency databases (gnomAD: NFE 0.004%). In summary, NM_206933.2(USH2A):c.1841-2A>G is a canonical splice variant in a gene where loss of function is a known mechanism of disease, is predicted to disrupt protein function, and has been observed more frequently in cases with the relevant disease than in healthy populations. Please note: this variant was assessed in the context of healthy population screening.

NM_206933.4(USH2A):c.1841-2A>G

Gene: USH2A (usherin; minus strand). Cytogenetic location: 1q41.
Variant type: single nucleotide variant.
Coding change: c.1841-2A>G on transcript NM_206933.4 (MANE Select); the canonical splice acceptor site of the intron before coding-DNA position 1841, A replaced by G.
Molecular consequence: splice acceptor variant.
Genome position (GRCh38, 1-based): chr1:216,289,412, T>C on the plus strand (A>G on the coding strand, the complement: USH2A is on the minus strand). VCF-style: chr1-216289412-T-C. GRCh37 (hg19) VCF-style: chr1-216462754-T-C.
Other names: c.1841-2A>G (NM_007123.6).
Identifiers: ClinVar variation 48476 (VCV000048476.78), dbSNP rs397518003, ClinGen allele CA262097.